The following is an entry in ClinVar:

NM_004525.3(LRP2):c.2835A>C (p.Gly945=)

Gene: LRP2 (LDL receptor related protein 2; minus strand). Cytogenetic location: 2q31.1.
Variant type: single nucleotide variant.
Coding change: c.2835A>C on transcript NM_004525.3 (MANE Select); coding-DNA position 2835, A replaced by C.
Protein change: p.Gly945=; no amino-acid change (glycine 945 retained).
Molecular consequence: synonymous variant.
Genome position (GRCh38, 1-based): chr2:169,247,451, T>G on the plus strand (A>C on the coding strand, the complement: LRP2 is on the minus strand). VCF-style: chr2-169247451-T-G. GRCh37 (hg19) VCF-style: chr2-170103961-T-G.
Other names: p.Gly945=.
Identifiers: ClinVar variation 2788956 (VCV002788956.5), dbSNP rs772378292, ClinGen allele CA1955200.

ClinVar aggregate classification (germline): Likely benign. Review status: criteria provided, multiple submitters, no conflicts (2 of 4 stars). 3 submissions from 3 submitters: Likely benign (3). Last evaluated 2025-04-21.

Allele frequency attached by ClinVar (database versions not stated): gnomAD exomes below 0.00001; ExAC 0.00001; gnomAD 0.00002; TOPMed 0.00003; 1000 Genomes Project 30x 0.00031.
gnomAD v4.1: 6 of 1,614,174 alleles (0.00037%); highest among the groups gnomAD compares: African/African-American, 0.0067%; no homozygotes.

Submissions (3):

Mayo Clinic Laboratories, Mayo Clinic
Classification: Likely benign. Last evaluated: 2025-04-21. Review status: criteria provided, single submitter. Criteria: ACMG Guidelines, 2015. Collection method: clinical testing. Allele origin: germline. Observed: 1 variant allele.
Comment: BP4, BP7

Labcorp Genetics (formerly Invitae), Labcorp
Classification: Likely benign. Last evaluated: 2024-03-01. Review status: criteria provided, single submitter. Criteria: Invitae Variant Classification Sherloc (09022015). Collection method: clinical testing. Allele origin: germline.

Blueprint Genetics
Classification: Likely benign. Last evaluated: 2023-06-05. Review status: criteria provided, single submitter. Criteria: ACMG Guidelines, 2015. Collection method: clinical testing. Allele origin: germline.